The following is an entry in ClinVar:

NM_002536.4(TBC1D25):c.393A>G (p.Pro131=)

Gene: TBC1D25 (TBC1 domain family member 25; plus strand). Cytogenetic location: Xp11.23.
Variant type: single nucleotide variant.
Coding change: c.393A>G on transcript NM_002536.4 (MANE Select); coding-DNA position 393, A replaced by G.
Protein change: p.Pro131=; no amino-acid change (proline 131 retained).
Molecular consequence: synonymous variant. On other transcripts: non-coding transcript variant (5).
Genome position (GRCh38, 1-based): chrX:48,558,901, A>G. VCF-style: chrX-48558901-A-G. GRCh37 (hg19) VCF-style: chrX-48417289-A-G.
Other names: c.441A>G, p.Pro147= (NM_001348262.2); c.405A>G, p.Pro135= (NM_001348263.2); c.219A>G, p.Pro73= (NM_001348264.2, NM_001348265.2).
Identifiers: ClinVar variation 2660458 (VCV002660458.24), dbSNP rs2061997739, ClinGen allele CA516021176.
Genomic context (GRCh38, chrX:48,558,901, plus strand): 5'-CCCTGAGGTCTGGGTTATCATCCCCATTCTTATAGCACTTTGTTCTGTTTGCCCAGGCCC[A>G]TTGCTAGAAGACTGGGACATAATCAGCCCCAAAGATGTCATTGGCTCCGACGTGTTGCTG-3'
Protein context (NP_002527.1, residues 121-141): RVDIRPSEDS[Pro131=]LLEDWDIISP

ClinVar aggregate classification (germline): Likely benign (1 of 4 stars; one submission).

Allele frequency attached by ClinVar (database versions not stated): gnomAD exomes below 0.00001; gnomAD 0.00001; TOPMed 0.00001.
gnomAD v4.1: 2 of 1,209,781 alleles (0.00017%); highest among the groups gnomAD compares: South Asian, 0.0018%; no homozygotes.

Submission:

CeGaT Center for Human Genetics Tuebingen
Classification: Likely benign. Last evaluated: 2022-04-01. Review status: criteria provided, single submitter. Criteria: CeGaT Center For Human Genetics Tuebingen Variant Classification Criteria Version 2. Collection method: clinical testing. Allele origin: germline. Affected: yes. Observed: 1 variant allele.
Comment: TBC1D25: BP4, BP7